The following is an entry in ClinVar:

ClinVar aggregate classification (germline): Uncertain significance (1 of 4 stars; one submission).

Conditions:
Inborn genetic diseases. Identifiers: MedGen C0950123, MeSH D030342.

Submission:

Ambry Genetics
Classification: Uncertain significance for Inborn genetic diseases. Last evaluated: 2021-12-08. Review status: criteria provided, single submitter. Criteria: Ambry Variant Classification Scheme 2023. Collection method: clinical testing. Allele origin: germline.
Comment: The p.M947T variant (also known as c.2840T>C), located in coding exon 22 of the DPYD gene, results from a T to C substitution at nucleotide position 2840. The methionine at codon 947 is replaced by threonine, an amino acid with similar properties. This amino acid position is conserved. In addition, this alteration is predicted to be tolerated by in silico analysis. Since supporting evidence is limited at this time, the clinical significance of this alteration remains unclear.

NM_000110.4(DPYD):c.2840T>C (p.Met947Thr)

Gene: DPYD (dihydropyrimidine dehydrogenase; minus strand). Cytogenetic location: 1p21.3.
Variant type: single nucleotide variant.
Coding change: c.2840T>C on transcript NM_000110.4 (MANE Select); coding-DNA position 2840, T replaced by C.
Protein change: p.Met947Thr; replaces methionine 947 with threonine.
Molecular consequence: missense variant.
Genome position (GRCh38, 1-based): chr1:97,082,397, A>G on the plus strand (T>C on the coding strand, the complement: DPYD is on the minus strand). VCF-style: chr1-97082397-A-G. GRCh37 (hg19) VCF-style: chr1-97547953-A-G.
Other names: short protein forms M947T.
Identifiers: ClinVar variation 1796716 (VCV001796716.2), dbSNP rs2101558314, ClinGen allele CA341374209.